The following is an entry in ClinVar:

ClinVar aggregate classification (germline): Uncertain significance. Review status: criteria provided, multiple submitters, no conflicts (2 of 4 stars). 5 submissions from 5 submitters: Uncertain significance (5). Last evaluated 2025-07-20.

Conditions:
Familial adenomatous polyposis 1 (FAP1). Also called: FAMILIAL ADENOMATOUS POLYPOSIS 1, ATTENUATED; POLYPOSIS, ADENOMATOUS INTESTINAL. Identifiers: MedGen C2713442, MONDO:0021056, OMIM 175100. Disease mechanism: loss of function.
Hereditary cancer-predisposing syndrome. Also called: Neoplastic Syndromes, Hereditary; Tumor predisposition; Hereditary Cancer Syndrome; Hereditary neoplastic syndrome. Identifiers: Orphanet 140162, MedGen C0027672, MeSH D009386, MONDO:0015356.
Classic or attenuated familial adenomatous polyposis. Identifiers: MedGen CN372698, MONDO:0021057.

Allele frequency attached by ClinVar (database versions not stated): ExAC 0.00001; gnomAD exomes 0.00001 and 0.00002.
gnomAD v4.1: 31 of 1,614,174 alleles (0.0019%); highest among the groups gnomAD compares: Non-Finnish European, 0.0026%; no homozygotes.

Submissions (5):

Ambry Genetics
Classification: Uncertain significance for Hereditary cancer-predisposing syndrome. Last evaluated: 2025-07-20. Review status: criteria provided, single submitter. Criteria: Ambry Variant Classification Scheme 2023. Collection method: clinical testing. Allele origin: germline.
Comment: The p.K1061R variant (also known as c.3182A>G), located in coding exon 15 of the APC gene, results from an A to G substitution at nucleotide position 3182. The lysine at codon 1061 is replaced by arginine, an amino acid with highly similar properties. This amino acid position is highly conserved in available vertebrate species. In addition, in silico predictors for this gene do not accurately predict pathogenicity. Since supporting evidence is limited at this time, the clinical significance of this alteration remains unclear.

Labcorp Genetics (formerly Invitae), Labcorp
Classification: Uncertain significance for Familial adenomatous polyposis 1. Last evaluated: 2025-02-02. Review status: criteria provided, single submitter. Criteria: Invitae Variant Classification Sherloc (09022015). Collection method: clinical testing. Allele origin: germline.
Comment: This sequence change replaces lysine, which is basic and polar, with arginine, which is basic and polar, at codon 1061 of the APC protein (p.Lys1061Arg). This variant is present in population databases (rs769814905, gnomAD 0.002%). This variant has not been reported in the literature in individuals affected with APC-related conditions. ClinVar contains an entry for this variant (Variation ID: 231335). Invitae Evidence Modeling of protein sequence and biophysical properties (such as structural, functional, and spatial information, amino acid conservation, physicochemical variation, residue mobility, and thermodynamic stability) indicates that this missense variant is not expected to disrupt APC protein function with a negative predictive value of 95%. In summary, the available evidence is currently insufficient to determine the role of this variant in disease. Therefore, it has been classified as a Variant of Uncertain Significance.

Baylor Genetics
Classification: Uncertain significance for Familial adenomatous polyposis 1. Last evaluated: 2024-03-14. Review status: criteria provided, single submitter. Criteria: ACMG Guidelines, 2015. Collection method: clinical testing. Allele origin: unknown.

All of Us Research Program, National Institutes of Health
Classification: Uncertain significance for Classic or attenuated familial adenomatous polyposis. Last evaluated: 2023-05-31. Review status: criteria provided, single submitter. Criteria: ACMG Guidelines, 2015. Collection method: clinical testing. Allele origin: germline. Inheritance: Autosomal dominant inheritance. Observed: 1 variant allele, 1 heterozygote.
Comment: This study involves interpretation of variants in research participants for the purpose of population health screening. Participant phenotype was not available at the time of variant classification. Additional details can be found in publication PMID: 35346344, PMCID: PMC8962531

GeneDx
Classification: Uncertain significance. Last evaluated: 2021-03-01. Review status: criteria provided, single submitter. Criteria: GeneDx Variant Classification Process June 2021. Collection method: clinical testing. Allele origin: germline. Affected: yes.
Comment: Not observed at a significant frequency in large population cohorts (Lek 2016); In silico analysis supports that this missense variant does not alter protein structure/function; Has not been previously published as pathogenic or benign to our knowledge

NM_000038.6(APC):c.3182A>G (p.Lys1061Arg)

Gene: APC (APC regulator of Wnt signaling pathway; plus strand). Cytogenetic location: 5q22.2.
Variant type: single nucleotide variant.
Coding change: c.3182A>G on transcript NM_000038.6 (MANE Select); coding-DNA position 3182, A replaced by G.
Protein change: p.Lys1061Arg; replaces lysine 1061 with arginine.
Molecular consequence: missense variant.
Genome position (GRCh38, 1-based): chr5:112,838,776, A>G. VCF-style: chr5-112838776-A-G. GRCh37 (hg19) VCF-style: chr5-112174473-A-G.
Other names: c.3182A>G, p.Lys1061Arg (NM_001127510.3, NM_001354895.2); c.3128A>G, p.Lys1043Arg (NM_001127511.3); c.3236A>G, p.Lys1079Arg (NM_001354896.2); c.3212A>G, p.Lys1071Arg (NM_001354897.2); c.3107A>G, p.Lys1036Arg (NM_001354898.2); c.3098A>G, p.Lys1033Arg (NM_001354899.2); c.3059A>G, p.Lys1020Arg (NM_001354900.2); c.3005A>G, p.Lys1002Arg (NM_001354901.2); and 5 more; short protein forms K1043R, K1061R, K1020R, K1079R, K778R, K901R, K1036R, K935R.
Identifiers: ClinVar variation 231335 (VCV000231335.19), dbSNP rs769814905, ClinGen allele CA034611.